The following is an entry in ClinVar:

NM_001161352.2(KCNMA1):c.1228A>T (p.Ile410Phe)

Gene: KCNMA1 (potassium calcium-activated channel subfamily M alpha 1; minus strand). Cytogenetic location: 10q22.3.
Variant type: single nucleotide variant.
Coding change: c.1228A>T on transcript NM_001161352.2 (MANE Select); coding-DNA position 1228, A replaced by T.
Protein change: p.Ile410Phe; replaces isoleucine 410 with phenylalanine.
Molecular consequence: missense variant.
Genome position (GRCh38, 1-based): chr10:77,090,506, T>A on the plus strand (A>T on the coding strand, the complement: KCNMA1 is on the minus strand). VCF-style: chr10-77090506-T-A. GRCh37 (hg19) VCF-style: chr10-78850264-T-A.
Other names: c.1228A>T, p.Ile410Phe (NM_001014797.3, NM_001161353.2, NM_001271519.2 and 8 more transcripts); c.1066A>T, p.Ile356Phe (NM_001271518.2); c.688A>T, p.Ile230Phe (NM_001322838.2); short protein forms I230F, I356F, I410F.
Identifiers: ClinVar variation 3365574 (VCV003365574.1).

ClinVar aggregate classification (germline): Uncertain significance (1 of 4 stars; one submission).

Submission:

GeneDx
Classification: Uncertain significance. Last evaluated: 2023-12-12. Review status: criteria provided, single submitter. Criteria: GeneDx Variant Classification Process June 2021. Collection method: clinical testing. Allele origin: germline. Affected: yes.
Comment: Not observed at significant frequency in large population cohorts (gnomAD); In silico analysis supports that this missense variant has a deleterious effect on protein structure/function; Has not been previously published as pathogenic or benign to our knowledge